The following is an entry in ClinVar:

ClinVar aggregate classification (germline): Uncertain significance. Review status: criteria provided, multiple submitters, no conflicts (2 of 4 stars). 2 submissions from 2 submitters: Uncertain significance (2). Last evaluated 2026-02-10.

Conditions:
Hereditary cancer-predisposing syndrome. Also called: Tumor predisposition; Hereditary Cancer Syndrome; Neoplastic Syndromes, Hereditary; Hereditary neoplastic syndrome. Identifiers: Orphanet 140162, MedGen C0027672, MeSH D009386, MONDO:0015356.

Allele frequency attached by ClinVar (database versions not stated): gnomAD exomes 0.00001.
gnomAD v4.1: 6 of 1,605,224 alleles (0.00037%); highest among the groups gnomAD compares: Non-Finnish European, 0.00051%; no homozygotes.

Submissions (2):

Ambry Genetics
Classification: Uncertain significance for Hereditary cancer-predisposing syndrome. Last evaluated: 2026-02-10. Review status: criteria provided, single submitter. Criteria: Ambry Variant Classification Scheme 2023. Collection method: clinical testing. Allele origin: germline.
Comment: The c.756G>A variant (also known as p.K252K) is located in coding exon 5 of the RAD50 gene. This variant results from a G to A substitution at nucleotide position 756. This nucleotide substitution does not change the lysine at codon 252. However, this change occurs in the last base pair of coding exon 5, which makes it likely to have some effect on normal mRNA splicing. This nucleotide position is highly conserved in available vertebrate species. In silico splice site analysis predicts that this alteration will weaken the native splice donor site. Based on the available evidence, the clinical significance of this variant remains unclear.

Labcorp Genetics (formerly Invitae), Labcorp
Classification: Uncertain significance for Hereditary cancer-predisposing syndrome. Last evaluated: 2026-02-01. Review status: criteria provided, single submitter. Criteria: Invitae Variant Classification Sherloc (09022015). Collection method: clinical testing. Allele origin: germline.
Comment: This sequence change affects codon 252 of the RAD50 mRNA. It is a 'silent' change, meaning that it does not change the encoded amino acid sequence of the RAD50 protein. This variant also falls at the last nucleotide of exon 5, which is part of the consensus splice site for this exon. This variant is not present in population databases (gnomAD no frequency). This variant has not been reported in the literature in individuals affected with RAD50-related conditions. ClinVar contains an entry for this variant (Variation ID: 482091). Variants that disrupt the consensus splice site are a relatively common cause of aberrant splicing (PMID: 17576681, 9536098). Algorithms developed to predict the effect of sequence changes on RNA splicing suggest that this variant may disrupt the consensus splice site. In summary, the available evidence is currently insufficient to determine the role of this variant in disease. Therefore, it has been classified as a Variant of Uncertain Significance.

Literature cited by the submitters: PubMed 17576681 (cited by Labcorp Genetics (formerly Invitae), Labcorp); PubMed 9536098 (cited by Labcorp Genetics (formerly Invitae), Labcorp).

NM_005732.4(RAD50):c.756G>A (p.Lys252=)

Gene: RAD50 (RAD50 double strand break repair protein; plus strand). Cytogenetic location: 5q31.1.
Variant type: single nucleotide variant.
Coding change: c.756G>A on transcript NM_005732.4 (MANE Select); coding-DNA position 756, G replaced by A.
Protein change: p.Lys252=; no amino-acid change (lysine 252 retained).
Molecular consequence: synonymous variant.
Genome position (GRCh38, 1-based): chr5:132,580,066, G>A. VCF-style: chr5-132580066-G-A. GRCh37 (hg19) VCF-style: chr5-131915758-G-A.
Identifiers: ClinVar variation 482091 (VCV000482091.14), dbSNP rs1554097839, ClinGen allele CA446357111.